The following is an entry in ClinVar:

NM_000260.4(MYO7A):c.2562G>C (p.Arg854Ser)

Gene: MYO7A (myosin VIIA; plus strand). Cytogenetic location: 11q13.5.
Variant type: single nucleotide variant.
Coding change: c.2562G>C on transcript NM_000260.4 (MANE Select); coding-DNA position 2562, G replaced by C.
Protein change: p.Arg854Ser; replaces arginine 854 with serine.
Molecular consequence: missense variant.
Genome position (GRCh38, 1-based): chr11:77,179,929, G>C. VCF-style: chr11-77179929-G-C. GRCh37 (hg19) VCF-style: chr11-76890975-G-C.
Other names: c.2562G>C, p.Arg854Ser (NM_001127180.2); c.2529G>C, p.Arg843Ser (NM_001369365.1); short protein forms R843S, R854S.
Identifiers: ClinVar variation 1983571 (VCV001983571.2), dbSNP rs1311468075, ClinGen allele CA381942022.

ClinVar aggregate classification (germline): Uncertain significance (1 of 4 stars; one submission).

Allele frequency attached by ClinVar (database versions not stated): gnomAD exomes below 0.00001; gnomAD 0.00001; TOPMed 0.00001.
gnomAD v4.1: 4 of 1,531,240 alleles (0.00026%); highest among the groups gnomAD compares: African/African-American, 0.0055%; no homozygotes.

Submission:

Labcorp Genetics (formerly Invitae), Labcorp
Classification: Uncertain significance. Last evaluated: 2025-10-13. Review status: criteria provided, single submitter. Criteria: Invitae Variant Classification Sherloc (09022015). Collection method: clinical testing. Allele origin: germline.
Comment: This sequence change replaces arginine, which is basic and polar, with serine, which is neutral and polar, at codon 854 of the MYO7A protein (p.Arg854Ser). This variant is present in population databases (no rsID available, gnomAD 0.02%). This variant has not been reported in the literature in individuals affected with MYO7A-related conditions. ClinVar contains an entry for this variant (Variation ID: 1983571). Invitae Evidence Modeling of protein sequence and biophysical properties (such as structural, functional, and spatial information, amino acid conservation, physicochemical variation, residue mobility, and thermodynamic stability) indicates that this missense variant is expected to disrupt MYO7A protein function with a positive predictive value of 95%. In summary, the available evidence is currently insufficient to determine the role of this variant in disease. Therefore, it has been classified as a Variant of Uncertain Significance.